The following is an entry in ClinVar:

NM_024496.4(IRF2BPL):c.1401C>T (p.Gly467=)

Gene: IRF2BPL (interferon regulatory factor 2 binding protein like; minus strand). Cytogenetic location: 14q24.3.
Variant type: single nucleotide variant.
Coding change: c.1401C>T on transcript NM_024496.4 (MANE Select); coding-DNA position 1401, C replaced by T.
Protein change: p.Gly467=; no amino-acid change (glycine 467 retained).
Molecular consequence: synonymous variant.
Genome position (GRCh38, 1-based): chr14:77,026,392, G>A on the plus strand (C>T on the coding strand, the complement: IRF2BPL is on the minus strand). VCF-style: chr14-77026392-G-A. GRCh37 (hg19) VCF-style: chr14-77492735-G-A.
Identifiers: ClinVar variation 4989819 (VCV004989819.1).

ClinVar aggregate classification (germline): Likely benign (1 of 4 stars; one submission).

Conditions:
IRF2BPL-related disorder. Also called: IRF2BPL-related condition. Identifiers: MedGen CN381093.

Submission:

PreventionGenetics, part of Exact Sciences
Classification: Likely benign for IRF2BPL-related condition. Last evaluated: 2026-02-03. Review status: criteria provided, single submitter. Criteria: ACMG Guidelines, 2015. Collection method: clinical testing. Allele origin: germline.
Comment: This variant is classified as likely benign based on ACMG/AMP sequence variant interpretation guidelines (Richards et al. 2015 PMID: 25741868, with internal and published modifications).